The following is an entry in ClinVar:

NM_022773.4(LMF1):c.188T>A (p.Val63Glu)

Genes: LMF1 (lipase maturation factor 1; minus strand), LOC130058141 (ATAC-STARR-seq lymphoblastoid silent region 6962; plus strand). Cytogenetic location: 16p13.3.
Variant type: single nucleotide variant.
Coding change: c.188T>A on transcript NM_022773.4 (MANE Select); coding-DNA position 188, T replaced by A.
Protein change: p.Val63Glu; replaces valine 63 with glutamic acid.
Molecular consequence: missense variant. On other transcripts: 5 prime UTR variant (1), non-coding transcript variant (1), intron variant (3).
Genome position (GRCh38, 1-based): chr16:970,793, A>T on the plus strand (T>A on the coding strand, the complement: LMF1 is on the minus strand). VCF-style: chr16-970793-A-T. GRCh37 (hg19) VCF-style: chr16-1020793-A-T.
Other names: c.188T>A, p.Val63Glu (NM_001352020.1); c.-518T>A (NM_001352021.2); c.-135+10352T>A (NM_001352019.2); c.-611+10352T>A (NM_001352017.2); c.-362+10352T>A (NM_001352018.2); short protein forms V63E.
Identifiers: ClinVar variation 1782052 (VCV001782052.2), dbSNP rs370716130, ClinGen allele CA276558445.

ClinVar aggregate classification (germline): Uncertain significance (1 of 4 stars; one submission).

Conditions:
Cardiovascular phenotype. Identifiers: MedGen CN230736.

Allele frequency attached by ClinVar (database versions not stated): gnomAD 0.00003; TOPMed 0.00006; ESP Exome Variant Server 0.00009.
gnomAD v4.1: 6 of 1,533,152 alleles (0.00039%); highest among the groups gnomAD compares: African/African-American, 0.0071%; no homozygotes.

Submission:

Ambry Genetics
Classification: Uncertain significance for Cardiovascular phenotype. Last evaluated: 2022-08-03. Review status: criteria provided, single submitter. Criteria: Ambry Variant Classification Scheme 2023. Collection method: clinical testing. Allele origin: germline.
Comment: The p.V63E variant (also known as c.188T>A), located in coding exon 1 of the LMF1 gene, results from a T to A substitution at nucleotide position 188. The valine at codon 63 is replaced by glutamic acid, an amino acid with dissimilar properties. This amino acid position is conserved. In addition, the in silico prediction for this alteration is inconclusive. Since supporting evidence is limited at this time, the clinical significance of this alteration remains unclear.